The following is an entry in ClinVar:

NM_016148.5(SHANK1):c.2391G>A (p.Glu797=)

Gene: SHANK1 (SH3 and multiple ankyrin repeat domains 1; minus strand). Cytogenetic location: 19q13.33.
Variant type: single nucleotide variant.
Coding change: c.2391G>A on transcript NM_016148.5 (MANE Select); coding-DNA position 2391, G replaced by A.
Protein change: p.Glu797=; no amino-acid change (glutamic acid 797 retained).
Molecular consequence: synonymous variant.
Genome position (GRCh38, 1-based): chr19:50,686,811, C>T on the plus strand (G>A on the coding strand, the complement: SHANK1 is on the minus strand). VCF-style: chr19-50686811-C-T. GRCh37 (hg19) VCF-style: chr19-51190068-C-T.
Identifiers: ClinVar variation 3053500 (VCV003053500.3), dbSNP rs200409216, ClinGen allele CA9601500.

ClinVar aggregate classification (germline): Likely benign. Review status: criteria provided, single submitter (1 of 4 stars). 2 submissions from 2 submitters: Likely benign (1). 1 of the submissions does not count toward it. Last evaluated 2024-09-30.

Conditions:
SHANK1-related disorder. Also called: SHANK1-related condition.

Allele frequency attached by ClinVar (database versions not stated): gnomAD exomes 0.00030; gnomAD 0.00042; TOPMed 0.00059; ExAC 0.00086; 1000 Genomes Project 30x 0.00156; 1000 Genomes Project 0.00160.

Submissions (2):

Blueprint Genetics
Classification: Likely benign. Last evaluated: 2024-09-30. Review status: criteria provided, single submitter. Criteria: ACMG Guidelines, 2015. Collection method: clinical testing. Allele origin: germline.

PreventionGenetics, part of Exact Sciences
Classification: Benign for SHANK1-related condition. Last evaluated: 2019-08-26. Review status: no assertion criteria provided. Collection method: clinical testing. Allele origin: germline. Not counted in ClinVar's aggregate classification.
Comment: This variant is classified as benign based on ACMG/AMP sequence variant interpretation guidelines (Richards et al. 2015 PMID: 25741868, with internal and published modifications).